The following is an entry in ClinVar:

NM_020693.4(DSCAML1):c.3693C>T (p.Pro1231=)

Gene: DSCAML1 (DS cell adhesion molecule like 1; minus strand). Cytogenetic location: 11q23.3.
Variant type: single nucleotide variant.
Coding change: c.3693C>T on transcript NM_020693.4 (MANE Select); coding-DNA position 3693, C replaced by T.
Protein change: p.Pro1231=; no amino-acid change (proline 1231 retained).
Molecular consequence: synonymous variant.
Genome position (GRCh38, 1-based): chr11:117,450,564, G>A on the plus strand (C>T on the coding strand, the complement: DSCAML1 is on the minus strand). VCF-style: chr11-117450564-G-A. GRCh37 (hg19) VCF-style: chr11-117321280-G-A.
Identifiers: ClinVar variation 788569 (VCV000788569.12), dbSNP rs34991186, ClinGen allele CA6296626.

ClinVar aggregate classification (germline): Benign. Review status: criteria provided, multiple submitters, no conflicts (2 of 4 stars). 3 submissions from 3 submitters: Benign (2). 1 of the submissions does not count toward it. Last evaluated 2025-12-22.

Conditions:
DSCAML1-related disorder. Also called: DSCAML1-related condition.

Allele frequency attached by ClinVar (database versions not stated): gnomAD exomes 0.00042 and 0.00090; ExAC 0.00104; ESP Exome Variant Server 0.00346; gnomAD 0.00360 and 0.00380; TOPMed 0.00434; 1000 Genomes Project 30x 0.00453; 1000 Genomes Project 0.00459.
gnomAD v4.1: 1,185 of 1,613,958 alleles (0.073%); highest among the groups gnomAD compares: African/African-American, 1.3%; 8 homozygotes.

Submissions (3):

Labcorp Genetics (formerly Invitae), Labcorp
Classification: Benign. Last evaluated: 2025-12-22. Review status: criteria provided, single submitter. Criteria: Invitae Variant Classification Sherloc (09022015). Collection method: clinical testing. Allele origin: germline.

Breakthrough Genomics
Classification: Benign. Review status: criteria provided, single submitter. Criteria: ACMG Guidelines, 2015. Collection method: not provided. Allele origin: germline. Inheritance: Unknown mechanism. Affected: yes.

PreventionGenetics, part of Exact Sciences
Classification: Benign for DSCAML1-related condition. Last evaluated: 2019-05-22. Review status: no assertion criteria provided. Collection method: clinical testing. Allele origin: germline. Not counted in ClinVar's aggregate classification.
Comment: This variant is classified as benign based on ACMG/AMP sequence variant interpretation guidelines (Richards et al. 2015 PMID: 25741868, with internal and published modifications).